The following is an entry in ClinVar:

ClinVar aggregate classification (germline): Conflicting classifications of pathogenicity. Review status: criteria provided, conflicting classifications (1 of 4 stars). 4 submissions from 4 submitters: Pathogenic (2); Uncertain significance (1). 1 of the submissions does not count toward it. Last evaluated 2024-05-20.

Conditions:
Intellectual disability. Also called: Intellectual functioning disability; Intellectual developmental disorder; intellectual disabilities. Identifiers: MedGen C3714756, MeSH D008607, MONDO:0001071, HP:0001249.
Epilepsy, progressive myoclonic, 11. Identifiers: MedGen C5394362, MONDO:0030034, OMIM 618876.

Submissions (4):

Laboratorio de Genetica e Diagnostico Molecular, Hospital Israelita Albert Einstein
Classification: Pathogenic for Epilepsy, progressive myoclonic, 11. Last evaluated: 2024-05-20. Review status: criteria provided, single submitter. Criteria: ACMG Guidelines, 2015. Collection method: clinical testing. Allele origin: germline. Affected: yes.
Comment: ACMG classification criteria: PVS1 very strong, PS4 supporting, PM2 supporting

GeneDx
Classification: Pathogenic. Last evaluated: 2022-01-17. Review status: criteria provided, single submitter. Criteria: GeneDx Variant Classification Process June 2021. Collection method: clinical testing. Allele origin: germline. Affected: yes.
Comment: Functional studies demonstrate a damaging effect, with the resulting truncated SEMA6B protein only partially present at the plasma membrane and leading to reduced neuronal spine density (Cordovado et al., 2022); Not observed at significant frequency in large population cohorts (gnomAD); Nonsense variant predicted to result in protein truncation as the last 200 amino acids are lost, although loss-of-function variants have not been reported downstream of this position in the protein; This variant is associated with the following publications: (PMID: 34092044)

Revvity Omics, Revvity
Classification: Uncertain significance for Epilepsy, progressive myoclonic, 11. Last evaluated: 2021-12-29. Review status: criteria provided, single submitter. Criteria: ACMG Guidelines, 2015. Collection method: clinical testing. Allele origin: germline.

Groupe Hospitalier Pitie Salpetriere, Uf Genomique Du Developpement, Assistance Publique Hopitaux de Paris Sorbonne Université
Classification: Likely pathogenic for Intellectual disability. Review status: no assertion criteria provided. Collection method: clinical testing. Allele origin: de novo. Inheritance: Autosomal dominant inheritance. Affected: yes. Not counted in ClinVar's aggregate classification.

NM_032108.4(SEMA6B):c.2066G>A (p.Trp689Ter)

Gene: SEMA6B (semaphorin 6B; minus strand). Cytogenetic location: 19p13.3.
Variant type: single nucleotide variant.
Coding change: c.2066G>A on transcript NM_032108.4 (MANE Select); coding-DNA position 2066, G replaced by A.
Protein change: p.Trp689Ter; replaces tryptophan 689 with a stop codon.
Molecular consequence: nonsense.
Genome position (GRCh38, 1-based): chr19:4,544,202, C>T on the plus strand (G>A on the coding strand, the complement: SEMA6B is on the minus strand). VCF-style: chr19-4544202-C-T. GRCh37 (hg19) VCF-style: chr19-4544214-C-T.
Other names: short protein forms W689*.
Identifiers: ClinVar variation 1339476 (VCV001339476.43), dbSNP rs2145342438, ClinGen allele CA403461298.